The following is an entry in ClinVar:

NM_001375567.1(FOCAD):c.4729-20_4729-5dup

Gene: FOCAD (focadhesin; plus strand). Cytogenetic location: 9p21.3.
Variant type: Duplication.
Coding change: c.4729-20_4729-5dup on transcript NM_001375567.1 (MANE Select); 20 bases into the intron before coding-DNA position 4729 through 5 bases into the intron before coding-DNA position 4729, 16 bases duplicated (TTTTTTTTTTTTTTTT).
Molecular consequence: intron variant.
Genome position (GRCh38, 1-based): chr9:20,986,268-20,986,283, TTTTTTTTTTTTTTTT duplicated; duplicating any 16 consecutive bases within chr9:20,986,267-20,986,283 gives the same sequence; the c. name uses the placement nearest the transcript's 3' end. VCF-style (leftmost placement, unchanged base first): chr9-20986266-A-ATTTTTTTTTTTTTTTT. GRCh37 (hg19) VCF-style: chr9-20986265-A-ATTTTTTTTTTTTTTTT.
Other names: c.4729-20_4729-5dup (NM_017794.5); c.4624-20_4624-5dup (NM_001375568.1, NM_001375570.1).
Identifiers: ClinVar variation 3044779 (VCV003044779.6), dbSNP rs545976303, ClinGen allele CA862073053.

ClinVar aggregate classification (germline): Likely benign. Review status: criteria provided, single submitter (1 of 4 stars). 2 submissions from 2 submitters: Likely benign (1). 1 of the submissions does not count toward it. Last evaluated 2026-05-01.

Conditions:
FOCAD-related disorder. Also called: FOCAD-related condition.

Submissions (2):

CeGaT Center for Human Genetics Tuebingen
Classification: Likely benign. Last evaluated: 2026-05-01. Review status: criteria provided, single submitter. Criteria: CeGaT Center For Human Genetics Tuebingen Variant Classification Criteria Version 2. Collection method: clinical testing. Allele origin: germline. Affected: yes. Observed: 3 variant alleles.
Comment: FOCAD: BP4, BS1

PreventionGenetics, part of Exact Sciences
Classification: Likely benign for FOCAD-related condition. Last evaluated: 2023-05-26. Review status: no assertion criteria provided. Collection method: clinical testing. Allele origin: germline. Not counted in ClinVar's aggregate classification.
Comment: This variant is classified as likely benign based on ACMG/AMP sequence variant interpretation guidelines (Richards et al. 2015 PMID: 25741868, with internal and published modifications).